The following is an entry in ClinVar:

NM_015629.4(PRPF31):c.1146+5G>T

Gene: PRPF31 (pre-mRNA processing factor 31; plus strand). Cytogenetic location: 19q13.42.
Variant type: single nucleotide variant.
Coding change: c.1146+5G>T on transcript NM_015629.4 (MANE Select); 5 bases into the intron after coding-DNA position 1146, G replaced by T.
Molecular consequence: intron variant.
Genome position (GRCh38, 1-based): chr19:54,128,382, G>T. VCF-style: chr19-54128382-G-T. GRCh37 (hg19) VCF-style: chr19-54631757-G-T.
Identifiers: ClinVar variation 3248774 (VCV003248774.2).
Genomic context (GRCh38, chr19:54,128,382, plus strand): 5'-AGCGGCTGGGGCTGACGGAGATCCGGAAGCAGGCCAACCGTATGAGCTTCGGAGAGGTCA[G>T]ACTCCCAGAGCGCCCTCCTCAACCCCACAGCCAGCCAGCCGCCACCGCCCTCTGCCTCCT-3'

ClinVar aggregate classification (germline): Likely pathogenic. Review status: criteria provided, multiple submitters, no conflicts (2 of 4 stars). 2 submissions from 2 submitters: Likely pathogenic (2). Last evaluated 2024-02-25.

Conditions:
Retinal dystrophy. Also called: Inherited retinal dystrophy. Identifiers: Orphanet 71862, MedGen C0854723, MeSH D058499, MONDO:0019118, HP:0000556.
Retinitis pigmentosa 11 (RP11). Identifiers: Orphanet 791, MedGen C1838601, MONDO:0010828, OMIM 600138.

Submissions (2):

3billion
Classification: Likely pathogenic for Retinitis pigmentosa 11. Last evaluated: 2024-02-25. Review status: criteria provided, single submitter. Criteria: ACMG Guidelines, 2015. Collection method: clinical testing. Allele origin: germline. Affected: yes.
Comment: The variant is not observed in the gnomAD v2.1.1 dataset. Predicted Consequence/Location: Intron variant: previously reported to alter splicing from an in vitro assay and reduce expression level of the gene (PMID: 36338669). In silico tools predict the variant to alter splicing and produce an abnormal transcript [SpliceAI: 0.39 (>=0.2, moderate evidence for spliceogenicity)]. Intron variant: previously reported to alter splicing from an in vitro assay and reduce expression level of the gene (PMID: 36338669). Therefore, this variant is classified as Likely pathogenic according to the recommendation of ACMG/AMP guideline.

Institute of Human Genetics, Univ. Regensburg, Univ. Regensburg
Classification: Likely pathogenic for Retinal dystrophy. Last evaluated: 2022-01-01. Review status: criteria provided, single submitter. Criteria: ACMG Guidelines, 2015. Collection method: clinical testing. Allele origin: germline. Affected: yes.

Literature cited by the submitters: PubMed 36338669 (cited by 3billion and Institute of Human Genetics, Univ. Regensburg, Univ. Regensburg).